The following is an entry in ClinVar:

NM_152743.4(BRAT1):c.4G>A (p.Asp2Asn)

Gene: BRAT1 (BRCA1 associated ATM activator 1; minus strand). Cytogenetic location: 7p22.3.
Variant type: single nucleotide variant.
Coding change: c.4G>A on transcript NM_152743.4 (MANE Select); coding-DNA position 4, G replaced by A.
Protein change: p.Asp2Asn; replaces aspartic acid 2 with asparagine.
Molecular consequence: missense variant. On other transcripts: 5 prime UTR variant (1), non-coding transcript variant (1).
Genome position (GRCh38, 1-based): chr7:2,554,428, C>T on the plus strand (G>A on the coding strand, the complement: BRAT1 is on the minus strand). VCF-style: chr7-2554428-C-T. GRCh37 (hg19) VCF-style: chr7-2594062-C-T.
Other names: c.4G>A (NM_152743.3); c.4G>A, p.Asp2Asn (NM_001350626.2); c.-374G>A (NM_001350627.2); short protein forms D2N.
Identifiers: ClinVar variation 1522431 (VCV001522431.9), dbSNP rs370035153, ClinGen allele CA366633651.

ClinVar aggregate classification (germline): Uncertain significance. Review status: criteria provided, multiple submitters, no conflicts (2 of 4 stars). 2 submissions from 2 submitters: Uncertain significance (2). Last evaluated 2024-08-26.

Conditions:
Neonatal-onset encephalopathy with rigidity and seizures. Also called: Lethal neonatal spasticity-epileptic encephalopathy syndrome. Identifiers: Orphanet 435845, MedGen C3281029, MONDO:0013784, OMIM 614498.
Inborn genetic diseases. Identifiers: MedGen C0950123, MeSH D030342.

Submissions (2):

Ambry Genetics
Classification: Uncertain significance for Inborn genetic diseases. Last evaluated: 2024-08-26. Review status: criteria provided, single submitter. Criteria: Ambry Variant Classification Scheme 2023. Collection method: clinical testing. Allele origin: germline.

Labcorp Genetics (formerly Invitae), Labcorp
Classification: Uncertain significance for Neonatal-onset encephalopathy with rigidity and seizures. Last evaluated: 2021-07-17. Review status: criteria provided, single submitter. Criteria: Invitae Variant Classification Sherloc (09022015). Collection method: clinical testing. Allele origin: germline.
Comment: This sequence change replaces aspartic acid with asparagine at codon 2 of the BRAT1 protein (p.Asp2Asn). The aspartic acid residue is highly conserved and there is a small physicochemical difference between aspartic acid and asparagine. This variant is not present in population databases (ExAC no frequency). This variant has not been reported in the literature in individuals affected with BRAT1-related conditions. Algorithms developed to predict the effect of missense changes on protein structure and function are either unavailable or do not agree on the potential impact of this missense change (SIFT: "Tolerated"; PolyPhen-2: "Probably Damaging"; Align-GVGD: "Class C0"). In summary, the available evidence is currently insufficient to determine the role of this variant in disease. Therefore, it has been classified as a Variant of Uncertain Significance.